The following is an entry in ClinVar:

ClinVar aggregate classification (germline): Pathogenic/Likely pathogenic. Review status: criteria provided, multiple submitters, no conflicts (2 of 4 stars). 2 submissions from 2 submitters: Pathogenic (1); Likely pathogenic (1). Last evaluated 2023-02-28.

Conditions:
Polycystic kidney disease 4 (PKD4). Also called: Autosomal Recessive Polycystic Kidney Disease – PKHD1; POLYCYSTIC KIDNEY AND HEPATIC DISEASE 1; POLYCYSTIC KIDNEY DISEASE, INFANTILE, TYPE I; POLYCYSTIC KIDNEY DISEASE 4 WITH OR WITHOUT POLYCYSTIC LIVER DISEASE; PKD3. Identifiers: MedGen C4540575, MONDO:0033004, OMIM 263200.
Autosomal recessive polycystic kidney disease (ARPKD). Also called: AR polycystic kidney disease. Identifiers: Orphanet 731, Orphanet 8378, MedGen C0085548, MeSH D017044, MONDO:0009889.

Submissions (2):

Baylor Genetics
Classification: Likely pathogenic for Polycystic kidney disease 4. Last evaluated: 2023-02-28. Review status: criteria provided, single submitter. Criteria: ACMG Guidelines, 2015. Collection method: clinical testing. Allele origin: unknown.

Labcorp Genetics (formerly Invitae), Labcorp
Classification: Pathogenic for Autosomal recessive polycystic kidney disease. Last evaluated: 2022-09-23. Review status: criteria provided, single submitter. Criteria: Invitae Variant Classification Sherloc (09022015). Collection method: clinical testing. Allele origin: germline.
Comment: This sequence change creates a premature translational stop signal (p.Tyr2784*) in the PKHD1 gene. It is expected to result in an absent or disrupted protein product. Loss-of-function variants in PKHD1 are known to be pathogenic (PMID: 19940839). This variant is not present in population databases (gnomAD no frequency). This variant has not been reported in the literature in individuals affected with PKHD1-related conditions. For these reasons, this variant has been classified as Pathogenic.

Literature cited by the submitters: PubMed 19940839 (cited by Labcorp Genetics (formerly Invitae), Labcorp).

NM_138694.4(PKHD1):c.8352T>A (p.Tyr2784Ter)

Gene: PKHD1 (PKHD1 ciliary IPT domain containing fibrocystin/polyductin; minus strand). Cytogenetic location: 6p12.3.
Variant type: single nucleotide variant.
Coding change: c.8352T>A on transcript NM_138694.4 (MANE Select); coding-DNA position 8352, T replaced by A.
Protein change: p.Tyr2784Ter; replaces tyrosine 2784 with a stop codon.
Molecular consequence: nonsense.
Genome position (GRCh38, 1-based): chr6:51,791,324, A>T on the plus strand (T>A on the coding strand, the complement: PKHD1 is on the minus strand). VCF-style: chr6-51791324-A-T. GRCh37 (hg19) VCF-style: chr6-51656122-A-T.
Other names: c.8352T>A, p.Tyr2784Ter (NM_170724.3); short protein forms Y2784*.
Identifiers: ClinVar variation 1929384 (VCV001929384.6), dbSNP rs1295577366, ClinGen allele CA364416499.